The following is an entry in ClinVar:

ClinVar aggregate classification (germline): Likely benign (0 of 4 stars; one submission).

Conditions:
PCDHA9-related disorder. Also called: PCDHA9-related condition.

Allele frequency attached by ClinVar (database versions not stated): 1000 Genomes Project 30x 0.00406; gnomAD exomes 0.00041; gnomAD 0.00419; TOPMed 0.00471.
gnomAD v4.1: 1,289 of 1,598,414 alleles (0.081%); highest among the groups gnomAD compares: African/African-American, 1.4%; 73 homozygotes.

Submission:

PreventionGenetics, part of Exact Sciences
Classification: Likely benign for PCDHA9-related condition. Last evaluated: 2020-10-06. Review status: no assertion criteria provided. Collection method: clinical testing. Allele origin: germline.
Comment: This variant is classified as likely benign based on ACMG/AMP sequence variant interpretation guidelines (Richards et al. 2015 PMID: 25741868, with internal and published modifications).

NM_031857.2(PCDHA9):c.2091C>T (p.Asn697=)

Genes: PCDHA1 (protocadherin alpha 1; plus strand), PCDHA2 (protocadherin alpha 2; plus strand), PCDHA3 (protocadherin alpha 3; plus strand), PCDHA4 (protocadherin alpha 4; plus strand), PCDHA5 (protocadherin alpha 5; plus strand) and 5 more. Cytogenetic location: 5q31.3.
Variant type: single nucleotide variant.
Coding change: c.2091C>T on transcript NM_031857.2 (MANE Select); coding-DNA position 2091, C replaced by T.
Protein change: p.Asn697=; no amino-acid change (asparagine 697 retained).
Molecular consequence: synonymous variant. On other transcripts: intron variant (10).
Genome position (GRCh38, 1-based): chr5:140,850,586, C>T. VCF-style: chr5-140850586-C-T. GRCh37 (hg19) VCF-style: chr5-140230171-C-T.
Other names: c.2355+13848C>T (NM_018910.3); c.2394+6871C>T (NM_018911.3); c.2091C>T, p.Asn697= (NM_014005.5); c.2394+61902C>T (NM_018900.4); c.1602+62694C>T (NM_031411.3); c.2388+53234C>T (NM_018905.3); c.2394+46995C>T (NM_018906.3); c.2385+41014C>T (NM_018907.4); and 3 more.
Identifiers: ClinVar variation 3034893 (VCV003034893.2), dbSNP rs10040059, ClinGen allele CA3450705.